The following is an entry in ClinVar:

ClinVar aggregate classification (germline): Likely pathogenic (1 of 4 stars; one submission).

Submission:

CeGaT Center for Human Genetics Tuebingen
Classification: Likely pathogenic. Last evaluated: 2025-12-01. Review status: criteria provided, single submitter. Criteria: CeGaT Center For Human Genetics Tuebingen Variant Classification Criteria Version 2. Collection method: clinical testing. Allele origin: germline. Affected: yes. Observed: 1 variant allele.
Comment: SASH1: PM1, PM2, PM5

NM_015278.5(SASH1):c.1592C>G (p.Ser531Cys)

Gene: SASH1 (SAM and SH3 domain containing 1; plus strand). Cytogenetic location: 6q25.1.
Variant type: single nucleotide variant.
Coding change: c.1592C>G on transcript NM_015278.5 (MANE Select); coding-DNA position 1592, C replaced by G.
Protein change: p.Ser531Cys; replaces serine 531 with cysteine.
Molecular consequence: missense variant.
Genome position (GRCh38, 1-based): chr6:148,532,824, C>G. VCF-style: chr6-148532824-C-G. GRCh37 (hg19) VCF-style: chr6-148853960-C-G.
Other names: c.1457C>G, p.Ser486Cys (NM_001346505.2); c.1220C>G, p.Ser407Cys (NM_001346506.2); c.875C>G, p.Ser292Cys (NM_001346507.2); c.1364C>G, p.Ser455Cys (NM_001346508.2); c.1241C>G, p.Ser414Cys (NM_001346509.2); short protein forms S292C, S407C, S414C, S455C, S486C, S531C.
Identifiers: ClinVar variation 4682034 (VCV004682034.5).